The following is an entry in ClinVar:

ClinVar aggregate classification (germline): Uncertain significance (1 of 4 stars; one submission).

Conditions:
Cardiovascular phenotype. Identifiers: MedGen CN230736.

Submission:

Ambry Genetics
Classification: Uncertain significance for Cardiovascular phenotype. Last evaluated: 2023-11-23. Review status: criteria provided, single submitter. Criteria: Ambry Variant Classification Scheme 2023. Collection method: clinical testing. Allele origin: germline.
Comment: The p.A392S variant (also known as c.1174G>T), located in coding exon 7 of the FLNC gene, results from a G to T substitution at nucleotide position 1174. The alanine at codon 392 is replaced by serine, an amino acid with similar properties. This amino acid position is conserved. In addition, the in silico prediction for this alteration is inconclusive. Since supporting evidence is limited at this time, the clinical significance of this alteration remains unclear.

NM_001458.5(FLNC):c.1174G>T (p.Ala392Ser)

Gene: FLNC (filamin C; plus strand). Cytogenetic location: 7q32.1.
Variant type: single nucleotide variant.
Coding change: c.1174G>T on transcript NM_001458.5 (MANE Select); coding-DNA position 1174, G replaced by T.
Protein change: p.Ala392Ser; replaces alanine 392 with serine.
Molecular consequence: missense variant.
Genome position (GRCh38, 1-based): chr7:128,838,393, G>T. VCF-style: chr7-128838393-G-T. GRCh37 (hg19) VCF-style: chr7-128478447-G-T.
Other names: c.1174G>T, p.Ala392Ser (NM_001127487.2); short protein forms A392S.
Identifiers: ClinVar variation 3221699 (VCV003221699.1), dbSNP rs2536621244, ClinGen allele CA369224258.